The following is an entry in ClinVar:

NM_001035.3(RYR2):c.969T>G (p.Asp323Glu)

Gene: RYR2 (ryanodine receptor 2; plus strand). Cytogenetic location: 1q43.
Variant type: single nucleotide variant.
Coding change: c.969T>G on transcript NM_001035.3 (MANE Select); coding-DNA position 969, T replaced by G.
Protein change: p.Asp323Glu; replaces aspartic acid 323 with glutamic acid.
Molecular consequence: missense variant.
Genome position (GRCh38, 1-based): chr1:237,423,212, T>G. VCF-style: chr1-237423212-T-G. GRCh37 (hg19) VCF-style: chr1-237586512-T-G.
Other names: c.969T>G (NM_001035.2); short protein forms D323E.
Identifiers: ClinVar variation 2906111 (VCV002906111.4), dbSNP rs1286328202, ClinGen allele CA345385528.
Genomic context (GRCh38, chr1:237,423,212, plus strand): 5'-AAAATACTTGAGTCTCATGGAAGACAAAAACCTTCTACTCATGGACAAAGAGAAAGCTGA[T>G]GTAAAATCAACAGCATTTACCTTCCGGTCTTCCAAGGTGAGACAGAAAATATTTTGGGTT-3'
Protein context (NP_001026.2, residues 313-333): NLLLMDKEKA[Asp323Glu]VKSTAFTFRS

ClinVar aggregate classification (germline): Uncertain significance. Review status: criteria provided, multiple submitters, no conflicts (2 of 4 stars). 2 submissions from 2 submitters: Uncertain significance (2). Last evaluated 2025-07-31.

Conditions:
Cardiovascular phenotype. Identifiers: MedGen CN230736.
Catecholaminergic polymorphic ventricular tachycardia 1. Also called: VENTRICULAR TACHYCARDIA, STRESS-INDUCED POLYMORPHIC 1; VENTRICULAR TACHYCARDIA, CATECHOLAMINERGIC POLYMORPHIC, 1, WITH OR WITHOUT ATRIAL DYSFUNCTION AND/OR DILATED CARDIOMYOPATHY; RYR2-Related Catecholaminergic Polymorphic Ventricular Tachycardia. Identifiers: Orphanet 3286, MedGen C1631597, MONDO:0011484, OMIM 604772.

gnomAD v4.1: 1 of 1,613,754 alleles (0.000062%); highest among the groups gnomAD compares: Non-Finnish European, 0.000085%; no homozygotes.

Submissions (2):

Ambry Genetics
Classification: Uncertain significance for Cardiovascular phenotype. Last evaluated: 2025-07-31. Review status: criteria provided, single submitter. Criteria: Ambry Variant Classification Scheme 2023. Collection method: clinical testing. Allele origin: germline.
Comment: The p.D323E variant (also known as c.969T>G), located in coding exon 12 of the RYR2 gene, results from a T to G substitution at nucleotide position 969. The aspartic acid at codon 323 is replaced by glutamic acid, an amino acid with highly similar properties. This amino acid position is well conserved in available vertebrate species. In addition, this alteration is predicted to be tolerated by in silico analysis. Based on the available evidence, the clinical significance of this variant remains unclear.

Labcorp Genetics (formerly Invitae), Labcorp
Classification: Uncertain significance for Catecholaminergic polymorphic ventricular tachycardia 1. Last evaluated: 2022-12-12. Review status: criteria provided, single submitter. Criteria: Invitae Variant Classification Sherloc (09022015). Collection method: clinical testing. Allele origin: germline.
Comment: This variant has not been reported in the literature in individuals affected with RYR2-related conditions. Advanced modeling of protein sequence and biophysical properties (such as structural, functional, and spatial information, amino acid conservation, physicochemical variation, residue mobility, and thermodynamic stability) performed at Invitae indicates that this missense variant is not expected to disrupt RYR2 protein function. Algorithms developed to predict the effect of sequence changes on RNA splicing suggest that this variant may disrupt the consensus splice site. In summary, the available evidence is currently insufficient to determine the role of this variant in disease. Therefore, it has been classified as a Variant of Uncertain Significance. This variant is present in population databases (no rsID available, gnomAD 0.0009%). This sequence change replaces aspartic acid, which is acidic and polar, with glutamic acid, which is acidic and polar, at codon 323 of the RYR2 protein (p.Asp323Glu).